The following is an entry in ClinVar:

NM_004453.4(ETFDH):c.236C>G (p.Ala79Gly)

Gene: ETFDH (electron transfer flavoprotein dehydrogenase; plus strand). Cytogenetic location: 4q32.1.
Variant type: single nucleotide variant.
Coding change: c.236C>G on transcript NM_004453.4 (MANE Select); coding-DNA position 236, C replaced by G.
Protein change: p.Ala79Gly; replaces alanine 79 with glycine.
Molecular consequence: missense variant.
Genome position (GRCh38, 1-based): chr4:158,682,255, C>G. VCF-style: chr4-158682255-C-G. GRCh37 (hg19) VCF-style: chr4-159603407-C-G.
Other names: c.95C>G, p.Ala32Gly (NM_001281737.2); c.53C>G, p.Ala18Gly (NM_001281738.1); c.236C>G (NM_004453.3); short protein forms A18G, A32G, A79G.
Identifiers: ClinVar variation 3896654 (VCV003896654.5).

ClinVar aggregate classification (germline): Likely pathogenic. Review status: criteria provided, multiple submitters, no conflicts (2 of 4 stars). 3 submissions from 3 submitters: Likely pathogenic (3). Last evaluated 2025-08-28.

Conditions:
Glutaric acidemia type 2C.
Multiple acyl-CoA dehydrogenase deficiency (MADD). Also called: ETHYLMALONIC-ADIPICACIDURIA; GA II; Glutaric aciduria, type 2; Glutaric acidemia type II; GA 2; Glutaric Acidemia type 2. Identifiers: Orphanet 26791, MedGen C0268596, MONDO:0009282, OMIM 231680.

Submissions (3):

Natera, Inc.
Classification: Likely pathogenic for Glutaric acidemia type 2C. Last evaluated: 2025-08-28. Review status: criteria provided, single submitter. Criteria: Natera Variant Classification Schema (03/2026). Collection method: clinical testing. Allele origin: germline.
Comment: The c.236C>G variant in ETFDH is a missense variant predicted to cause substitution of alanine to glycine at amino acid 79. This variant is rare in the general population with a frequency below the threshold expected for the associated phenotype(s). This variant has been observed in one or more individuals affected with the associated recessive disease, as either homozygous or compound heterozygous with a second variant (PMID: 17689991, 30023299, 32165122). This variant has been identified in one or more affected individuals with a phenotype highly consistent with the associated gene (PMID: 34819910). Computational prediction algorithms indicate this variant is likely to affect gene or protein function. Given the available evidence, this variant is classified as Likely Pathogenic.

Women's Health and Genetics/Laboratory Corporation of America, LabCorp
Classification: Likely pathogenic for Multiple acyl-CoA dehydrogenase deficiency. Last evaluated: 2025-04-24. Review status: criteria provided, single submitter. Criteria: LabCorp Variant Classification Summary - May 2015. Collection method: clinical testing. Allele origin: germline.
Comment: Variant summary: ETFDH c.236C>G (p.Ala79Gly) results in a non-conservative amino acid change in the encoded protein sequence. Five of five in-silico tools predict a damaging effect of the variant on protein function. The variant was absent in 251416 control chromosomes. c.236C>G has been observed in the compound heterozygous state together with a second pathogenic variant in several individuals affected with Glutaric Aciduria, Type 2c (e.g. Wen_2013, Tang_2021, Wen_2022). These data indicate that the variant is likely to be associated with disease. To our knowledge, no experimental evidence demonstrating an impact on protein function has been reported. The following publications have been ascertained in the context of this evaluation (PMID: 34819910, 34718578, 23628458). No submitters have cited clinical-significance assessments for this variant to ClinVar. Based on the evidence outlined above, the variant was classified as likely pathogenic.

Juno Genomics, Hangzhou Juno Genomics, Inc
Classification: Likely pathogenic for Multiple acyl-CoA dehydrogenase deficiency. Review status: criteria provided, single submitter. Criteria: ACMG Guidelines, 2015. Collection method: clinical testing. Allele origin: germline.
Comment: Absent from controls (or at extremely low frequency if recessive) in Genome Aggregation Database.;Multiple lines of computational evidence support a deleterious effect on the gene or gene product.;For recessive disorders, detected in trans with a pathogenic variant.;Patient's phenotype or family history is highly specific for a disease with a single genetic etiology.

Literature cited by the submitters: PubMed 17689991 (cited by Natera, Inc.); PubMed 30023299 (cited by Natera, Inc.); PubMed 32165122 (cited by Natera, Inc.); PubMed 34819910 (cited by Natera, Inc. and Women's Health and Genetics/Laboratory Corporation of America, LabCorp); PubMed 23628458 (cited by Women's Health and Genetics/Laboratory Corporation of America, LabCorp); PubMed 34718578 (cited by Women's Health and Genetics/Laboratory Corporation of America, LabCorp).